The following is an entry in ClinVar:

NM_006904.7(PRKDC):c.7188C>G (p.Leu2396=)

Gene: PRKDC (protein kinase, DNA-activated, catalytic subunit; minus strand). Cytogenetic location: 8q11.21.
Variant type: single nucleotide variant.
Coding change: c.7188C>G on transcript NM_006904.7 (MANE Select); coding-DNA position 7188, C replaced by G.
Protein change: p.Leu2396=; no amino-acid change (leucine 2396 retained).
Molecular consequence: synonymous variant.
Genome position (GRCh38, 1-based): chr8:47,849,246, G>C on the plus strand (C>G on the coding strand, the complement: PRKDC is on the minus strand). VCF-style: chr8-47849246-G-C. GRCh37 (hg19) VCF-style: chr8-48761807-G-C.
Other names: c.7188C>G, p.Leu2396= (NM_001081640.2).
Identifiers: ClinVar variation 4823802 (VCV004823802.4).

ClinVar aggregate classification (germline): Likely benign (1 of 4 stars; one submission).

Submission:

CeGaT Center for Human Genetics Tuebingen
Classification: Likely benign. Last evaluated: 2026-03-01. Review status: criteria provided, single submitter. Criteria: CeGaT Center For Human Genetics Tuebingen Variant Classification Criteria Version 2. Collection method: clinical testing. Allele origin: germline. Affected: yes. Observed: 1 variant allele.
Comment: PRKDC: BP4, BP7